The following is an entry in ClinVar:

NM_032833.5(PPP1R15B):c.448C>T (p.Gln150Ter)

Gene: PPP1R15B (protein phosphatase 1 regulatory subunit 15B; minus strand). Cytogenetic location: 1q32.1.
Variant type: single nucleotide variant.
Coding change: c.448C>T on transcript NM_032833.5 (MANE Select); coding-DNA position 448, C replaced by T.
Protein change: p.Gln150Ter; replaces glutamine 150 with a stop codon.
Molecular consequence: nonsense.
Genome position (GRCh38, 1-based): chr1:204,410,964, G>A on the plus strand (C>T on the coding strand, the complement: PPP1R15B is on the minus strand). VCF-style: chr1-204410964-G-A. GRCh37 (hg19) VCF-style: chr1-204380092-G-A.
Other names: short protein forms Q150*.
Identifiers: ClinVar variation 3340325 (VCV003340325.1).

ClinVar aggregate classification (germline): Uncertain significance (1 of 4 stars; one submission).

Submission:

GeneDx
Classification: Uncertain significance. Last evaluated: 2023-09-16. Review status: criteria provided, single submitter. Criteria: GeneDx Variant Classification Process June 2021. Collection method: clinical testing. Allele origin: germline. Affected: yes.
Comment: Observed as a de novo variant in one patient from a cohort with autism spectrum disorders who underwent exome sequencing (Neale et al., 2012); Nonsense variant predicted to result in protein truncation or nonsense mediated decay in a gene or region of a gene for which loss of function is not a well-established mechanism of disease; Not observed at significant frequency in large population cohorts (gnomAD); This variant is associated with the following publications: (PMID: 22495311)